The following is an entry in ClinVar:

NM_004304.5(ALK):c.1149G>C (p.Lys383Asn)

Gene: ALK (ALK receptor tyrosine kinase; minus strand). Cytogenetic location: 2p23.2.
Variant type: single nucleotide variant.
Coding change: c.1149G>C on transcript NM_004304.5 (MANE Select); coding-DNA position 1149, G replaced by C.
Protein change: p.Lys383Asn; replaces lysine 383 with asparagine.
Molecular consequence: missense variant.
Genome position (GRCh38, 1-based): chr2:29,531,920, C>G on the plus strand (G>C on the coding strand, the complement: ALK is on the minus strand). VCF-style: chr2-29531920-C-G. GRCh37 (hg19) VCF-style: chr2-29754786-C-G.
Other names: short protein forms K383N.
Identifiers: ClinVar variation 3223783 (VCV003223783.1), dbSNP rs767442144, ClinGen allele CA346587173.

ClinVar aggregate classification (germline): Uncertain significance (1 of 4 stars; one submission).

Conditions:
Hereditary cancer-predisposing syndrome. Also called: Tumor predisposition; Hereditary neoplastic syndrome; Hereditary Cancer Syndrome; Neoplastic Syndromes, Hereditary. Identifiers: Orphanet 140162, MedGen C0027672, MeSH D009386, MONDO:0015356.

Allele frequency attached by ClinVar (database versions not stated): gnomAD exomes below 0.00001.
gnomAD v4.1: 3 of 1,614,004 alleles (0.00019%); highest among the groups gnomAD compares: Non-Finnish European, 0.00025%; no homozygotes.

Submission:

Ambry Genetics
Classification: Uncertain significance for Hereditary cancer-predisposing syndrome. Last evaluated: 2024-01-16. Review status: criteria provided, single submitter. Criteria: Ambry Variant Classification Scheme 2023. Collection method: clinical testing. Allele origin: germline.
Comment: The p.K383N variant (also known as c.1149G>C), located in coding exon 4 of the ALK gene, results from a G to C substitution at nucleotide position 1149. The lysine at codon 383 is replaced by asparagine, an amino acid with similar properties. This amino acid position is conserved. In addition, this alteration is predicted to be tolerated by in silico analysis. Since supporting evidence is limited at this time, the clinical significance of this alteration remains unclear.